The following is an entry in ClinVar:

ClinVar aggregate classification (germline): Pathogenic (1 of 4 stars; one submission).

gnomAD v4.1: 18 of 1,613,878 alleles (0.0011%); highest among the groups gnomAD compares: Non-Finnish European, 0.0015%; no homozygotes.

Submission:

Labcorp Genetics (formerly Invitae), Labcorp
Classification: Pathogenic. Last evaluated: 2022-07-05. Review status: criteria provided, single submitter. Criteria: Invitae Variant Classification Sherloc (09022015). Collection method: clinical testing. Allele origin: germline.
Comment: This sequence change creates a premature translational stop signal (p.Cys1464*) in the PAPPA2 gene. It is expected to result in an absent or disrupted protein product. Loss-of-function variants in PAPPA2 are known to be pathogenic (PMID: 26902202, 30977789). This variant is not present in population databases (gnomAD no frequency). This variant has not been reported in the literature in individuals affected with PAPPA2-related conditions. For these reasons, this variant has been classified as Pathogenic.

Literature cited by the submitters: PubMed 26902202; PubMed 30977789.

NM_020318.3(PAPPA2):c.4392C>A (p.Cys1464Ter)

Gene: PAPPA2 (pappalysin 2; plus strand). Cytogenetic location: 1q25.2.
Variant type: single nucleotide variant.
Coding change: c.4392C>A on transcript NM_020318.3 (MANE Select); coding-DNA position 4392, C replaced by A.
Protein change: p.Cys1464Ter; replaces cysteine 1464 with a stop codon.
Molecular consequence: nonsense.
Genome position (GRCh38, 1-based): chr1:176,769,675, C>A. VCF-style: chr1-176769675-C-A. GRCh37 (hg19) VCF-style: chr1-176738811-C-A.
Other names: short protein forms C1464*.
Identifiers: ClinVar variation 2142340 (VCV002142340.1), dbSNP rs116269563, ClinGen allele CA343492418.